The following is an entry in ClinVar:

ClinVar aggregate classification (germline): Likely benign. Review status: criteria provided, multiple submitters, no conflicts (2 of 4 stars). 3 submissions from 3 submitters: Likely benign (2). 1 of the submissions does not count toward it. Last evaluated 2026-07-01.

Conditions:
PDE4D-related disorder. Also called: PDE4D-related condition.

Allele frequency attached by ClinVar (database versions not stated): 1000 Genomes Project 30x 0.00016; ESP Exome Variant Server 0.00017; 1000 Genomes Project 0.00020; gnomAD exomes 0.00030; TOPMed 0.00031; gnomAD 0.00034; ExAC 0.00049.
gnomAD v4.1: 481 of 1,567,616 alleles (0.031%); highest among the groups gnomAD compares: Middle Eastern, 0.43%; 2 homozygotes.

Submissions (3):

CeGaT Center for Human Genetics Tuebingen
Classification: Likely benign. Last evaluated: 2026-07-01. Review status: criteria provided, single submitter. Criteria: CeGaT Center For Human Genetics Tuebingen Variant Classification Criteria Version 2. Collection method: clinical testing. Allele origin: germline. Affected: yes. Observed: 1 variant allele.
Comment: PDE4D: BP4, BS2

Blueprint Genetics
Classification: Likely benign. Last evaluated: 2024-11-07. Review status: criteria provided, single submitter. Criteria: ACMG Guidelines, 2015. Collection method: clinical testing. Allele origin: germline.

PreventionGenetics, part of Exact Sciences
Classification: Benign for PDE4D-related condition. Last evaluated: 2019-11-19. Review status: no assertion criteria provided. Collection method: clinical testing. Allele origin: germline. Not counted in ClinVar's aggregate classification.
Comment: This variant is classified as benign based on ACMG/AMP sequence variant interpretation guidelines (Richards et al. 2015 PMID: 25741868, with internal and published modifications).

NM_001104631.2(PDE4D):c.456-140808G>A

Gene: PDE4D (phosphodiesterase 4D; minus strand). Cytogenetic location: 5q11.2.
Variant type: single nucleotide variant.
Coding change: c.456-140808G>A on transcript NM_001104631.2 (MANE Select); 140808 bases into the intron before coding-DNA position 456, G replaced by A.
Molecular consequence: intron variant. On other transcripts: missense variant (1).
Genome position (GRCh38, 1-based): chr5:59,356,776, C>T on the plus strand (G>A on the coding strand, the complement: PDE4D is on the minus strand). VCF-style: chr5-59356776-C-T. GRCh37 (hg19) VCF-style: chr5-58652602-C-T.
Other names: c.71G>A, p.Arg24His (NM_001197219.2); c.273-140808G>A (NM_001364599.1, NM_001165899.2, NM_001364600.2); c.-239-140808G>A (NM_001349243.2, NM_001364604.1); c.243-140808G>A (NM_001349241.2); c.264-140808G>A (NM_001197218.2, NM_001364602.2, NM_001364601.1); c.-495-140808G>A (NM_001364603.1); c.48-140808G>A (NM_006203.5); c.125+73518G>A (NM_001349242.2); short protein forms R24H.
Identifiers: ClinVar variation 3043312 (VCV003043312.4), dbSNP rs371285569, ClinGen allele CA3276496.